The following is an entry in ClinVar:

ClinVar aggregate classification (germline): Likely pathogenic (0 of 4 stars; one submission).

Conditions:
Spastic paraplegia 80, autosomal dominant. Identifiers: Orphanet 631068, MedGen C5193084, MONDO:0032737, OMIM 618418.

Submission:

Solve-RD Consortium
Classification: Likely pathogenic for Spastic paraplegia 80, autosomal dominant. Last evaluated: 2022-06-01. Review status: no assertion criteria provided. Collection method: provider interpretation. Allele origin: inherited. Affected: yes.
Comment: Variant confirmed as disease-causing by referring clinical team

Variant identified during reanalysis of unsolved cases by the Solve-RD project. The Solve-RD project has received funding from the European Union’s Horizon 2020 research and innovation programme under grant agreement No 779257.

Literature cited by the submitters: PubMed 39825153.

NM_016525.5(UBAP1):c.478_482dup (p.Cys161fs)

Gene: UBAP1 (ubiquitin associated protein 1; plus strand). Cytogenetic location: 9p13.3.
Variant type: Duplication.
Coding change: c.478_482dup on transcript NM_016525.5 (MANE Select); coding-DNA positions 478 to 482, 5 bases duplicated (GAGTG; older notation c.478_482dupGAGTG).
Protein change: p.Cys161fs; shifts the reading frame from cysteine 161.
Molecular consequence: frameshift variant. On other transcripts: non-coding transcript variant (1).
Genome position (GRCh38, 1-based): chr9:34,241,503-34,241,507, GAGTG duplicated. VCF-style (leftmost placement, unchanged base first): chr9-34241502-T-TGAGTG. GRCh37 (hg19) VCF-style: chr9-34241500-T-TGAGTG.
Other names: c.670_674dup, p.Cys225fs (NM_001171201.1); c.586_590dup, p.Cys197fs (NM_001171202.1); c.478_482dup, p.Cys161fs (NM_001171203.3, NM_001171204.3); short protein forms C161fs, C197fs, C225fs.
Identifiers: ClinVar variation 3338070 (VCV003338070.1).